The following is an entry in ClinVar:

NC_000007.13:g.(?_78636386)_(79082636_?)dup

Gene: MAGI2 (membrane associated guanylate kinase, WW and PDZ domain containing 2; minus strand). Cytogenetic location: 7q21.11.
Variant type: Duplication.
Identifiers: ClinVar variation 3245904 (VCV003245904.1).

ClinVar aggregate classification (germline): Uncertain significance (1 of 4 stars; one submission).

Submission:

Labcorp Genetics (formerly Invitae), Labcorp
Classification: Uncertain significance. Last evaluated: 2024-01-26. Review status: criteria provided, single submitter. Criteria: Invitae Variant Classification Sherloc (09022015). Collection method: clinical testing. Allele origin: unknown.
Comment: This variant results in a copy number gain of the genomic region encompassing exon(s) 1-2 of the MAGI2 gene. This region includes the initiator codon of the gene. This copy number gain extends beyond the assayed region for this gene and therefore may encompass additional genes. As the precise location of this event is unknown, it may be in tandem or it may be located elsewhere in the genome. This variant has not been reported in the literature in individuals affected with MAGI2-related conditions. Experimental studies and prediction algorithms are not available or were not evaluated, and the functional significance of this variant is currently unknown. In summary, the available evidence is currently insufficient to determine the role of this variant in disease. Therefore, it has been classified as a Variant of Uncertain Significance.